The following is an entry in ClinVar:

ClinVar aggregate classification (germline): Pathogenic. Review status: reviewed by expert panel (3 of 4 stars). 4 submissions from 4 submitters: Pathogenic (1). 3 of the submissions do not count toward it. Last evaluated 2016-10-18.

Conditions:
Hereditary cancer-predisposing syndrome. Also called: Tumor predisposition; Neoplastic Syndromes, Hereditary; Hereditary neoplastic syndrome; Hereditary Cancer Syndrome. Identifiers: Orphanet 140162, MedGen C0027672, MeSH D009386, MONDO:0015356.
Hereditary breast ovarian cancer syndrome. Also called: Hereditary breast and ovarian cancer; Hereditary breast and ovarian cancer syndrome (HBOC); Hereditary breast and/or ovarian cancer syndrome; Breast and ovarian cancer; Hereditary breast and ovarian cancer syndrome; BRCA1- and BRCA2-Associated Hereditary Breast and Ovarian Cancer. Identifiers: Orphanet 145, MedGen C0677776, MeSH D061325, MONDO:0003582. Disease mechanism: loss of function.
Breast-ovarian cancer, familial, susceptibility to, 2 (BROVCA2). Also called: BRCA2 Hereditary Breast and Ovarian Cancer. Identifiers: Orphanet 145, MedGen C2675520, MONDO:0012933, OMIM 612555. Disease mechanism: loss of function.

Submissions (4):

Evidence-based Network for the Interpretation of Germline Mutant Alleles (ENIGMA)
Classification: Pathogenic for Breast-ovarian cancer, familial, susceptibility to, 2. Last evaluated: 2016-10-18. Review status: reviewed by expert panel. Criteria: ENIGMA BRCA1/2 Classification Criteria (2015). Collection method: curation. Allele origin: germline.
Comment: Variant allele predicted to encode a truncated non-functional protein.

Labcorp Genetics (formerly Invitae), Labcorp
Classification: Pathogenic for Hereditary breast ovarian cancer syndrome. Last evaluated: 2024-06-12. Review status: criteria provided, single submitter. Criteria: Invitae Variant Classification Sherloc (09022015). Collection method: clinical testing. Allele origin: germline. Not counted in ClinVar's aggregate classification.
Comment: This sequence change creates a premature translational stop signal (p.Val144Cysfs*14) in the BRCA2 gene. It is expected to result in an absent or disrupted protein product. Loss-of-function variants in BRCA2 are known to be pathogenic (PMID: 20104584). This variant is not present in population databases (gnomAD no frequency). This premature translational stop signal has been observed in individual(s) with BRCA2-related conditions (PMID: 15340362). This variant is also known as 657insC. ClinVar contains an entry for this variant (Variation ID: 266800). For these reasons, this variant has been classified as Pathogenic.

Ambry Genetics
Classification: Pathogenic for Hereditary cancer-predisposing syndrome. Last evaluated: 2024-04-25. Review status: criteria provided, single submitter. Criteria: Ambry Variant Classification Scheme 2023. Collection method: clinical testing. Allele origin: germline. Not counted in ClinVar's aggregate classification.
Comment: The c.428dupC pathogenic mutation, located in coding exon 4 of the BRCA2 gene, results from a duplication of C at nucleotide position 428, causing a translational frameshift with a predicted alternate stop codon (p.V144Cfs*14). This alteration was identified in multiple individuals diagnosed with breast cancer (Stella S et al. Cancer Manag Res, 2022 Apr;14:1341-1352). This variant is considered to be rare based on population cohorts in the Genome Aggregation Database (gnomAD). In addition to the clinical data presented in the literature, this alteration is expected to result in loss of function by premature protein truncation or nonsense-mediated mRNA decay. As such, this alteration is interpreted as a disease-causing mutation.

Consortium of Investigators of Modifiers of BRCA1/2 (CIMBA), c/o University of Cambridge
Classification: Pathogenic for Breast-ovarian cancer, familial, susceptibility to, 2. Last evaluated: 2015-10-02. Review status: criteria provided, single submitter. Criteria: CIMBA Mutation Classification guidelines May 2016. Collection method: clinical testing. Allele origin: germline. Not counted in ClinVar's aggregate classification.

Literature cited by the submitters: PubMed 20104584 (cited by Labcorp Genetics (formerly Invitae), Labcorp); PubMed 15340362 (cited by Labcorp Genetics (formerly Invitae), Labcorp); PubMed 35411189 (cited by Ambry Genetics).

NM_000059.4(BRCA2):c.428dup (p.Val144fs)

Gene: BRCA2 (BRCA2 DNA repair associated; plus strand). Cytogenetic location: 13q13.1.
Variant type: Duplication.
Coding change: c.428dup on transcript NM_000059.4 (MANE Select); coding-DNA position 428, one base duplicated (C; older notation c.428dupC).
Protein change: p.Val144fs; shifts the reading frame from valine 144.
Molecular consequence: frameshift variant.
Genome position (GRCh38, 1-based): chr13:32,326,103, C duplicated; the last of 2 consecutive C bases (chr13:32,326,102-32,326,103); duplicating either gives the same sequence. VCF-style (leftmost placement, unchanged base first): chr13-32326101-T-TC. GRCh37 (hg19) VCF-style: chr13-32900238-T-TC.
Other names: 0656insC; c.428dupC (NM_000059.3); short protein forms V144fs.
Identifiers: ClinVar variation 266800 (VCV000266800.10), dbSNP rs886040519, ClinGen allele CA10589022.